The following is an entry in ClinVar:

NM_052947.4(ALPK2):c.2279T>A (p.Leu760His)

Gene: ALPK2 (alpha kinase 2; minus strand). Cytogenetic location: 18q21.31.
Variant type: single nucleotide variant.
Coding change: c.2279T>A on transcript NM_052947.4 (MANE Select); coding-DNA position 2279, T replaced by A.
Protein change: p.Leu760His; replaces leucine 760 with histidine.
Molecular consequence: missense variant.
Genome position (GRCh38, 1-based): chr18:58,537,908, A>T on the plus strand (T>A on the coding strand, the complement: ALPK2 is on the minus strand). VCF-style: chr18-58537908-A-T. GRCh37 (hg19) VCF-style: chr18-56205140-A-T.
Other names: short protein forms L760H.
Identifiers: ClinVar variation 1788899 (VCV001788899.2), dbSNP rs2518877892, ClinGen allele CA402571101.
Genomic context (GRCh38, chr18:58,537,908, plus strand): 5'-TCAGGGGAAGCAACAGAGACAGCCACAGGCTCCCTGAAGTCAGCACGAGCATCCTTGGGG[A>T]GATGCCTTGAGAACACACCTGGGGACATAGTCTCATCATTGGCTTCTGAGATGCTCTGCT-3'
Protein context (NP_443179.3, residues 750-770): TMSPGVFSRH[Leu760His]PKDARADFRE

ClinVar aggregate classification (germline): Uncertain significance (1 of 4 stars; one submission).

Submission:

Ambry Genetics
Classification: Uncertain significance. Last evaluated: 2022-10-08. Review status: criteria provided, single submitter. Criteria: Ambry Variant Classification Scheme 2023. Collection method: clinical testing. Allele origin: germline.
Comment: The p.L760H variant (also known as c.2279T>A), located in coding exon 4 of the ALPK2 gene, results from a T to A substitution at nucleotide position 2279. The leucine at codon 760 is replaced by histidine, an amino acid with similar properties. This amino acid position is conserved. In addition, this alteration is predicted to be tolerated by in silico analysis. Since supporting evidence is limited at this time, the clinical significance of this alteration remains unclear.